The following is an entry in ClinVar:

ClinVar aggregate classification (germline): Benign. Review status: criteria provided, multiple submitters, no conflicts (2 of 4 stars). 10 submissions from 10 submitters: Benign (10). Last evaluated 2026-01-19.

Conditions:
Autosomal dominant nonsyndromic hearing loss 4A. Also called: Deafness, autosomal dominant 4A. Identifiers: Orphanet 90635, MedGen C1833503, MONDO:0010915, OMIM 600652.

Allele frequency attached by ClinVar (database versions not stated): 1000 Genomes Project 0.00539; 1000 Genomes Project 30x 0.00547; ExAC 0.00858; ESP Exome Variant Server 0.00911; TOPMed 0.00942; gnomAD exomes 0.01001 and 0.01407; gnomAD 0.01021 and 0.01050.
gnomAD v4.1: 21,144 of 1,547,272 alleles (1.4%); highest among the groups gnomAD compares: Non-Finnish European, 1.6%; 183 homozygotes.

Submissions (10):

Labcorp Genetics (formerly Invitae), Labcorp
Classification: Benign. Last evaluated: 2026-01-19. Review status: criteria provided, single submitter. Criteria: Invitae Variant Classification Sherloc (09022015). Collection method: clinical testing. Allele origin: germline.

CeGaT Center for Human Genetics Tuebingen
Classification: Benign. Last evaluated: 2024-07-01. Review status: criteria provided, single submitter. Criteria: CeGaT Center For Human Genetics Tuebingen Variant Classification Criteria Version 2. Collection method: clinical testing. Allele origin: germline. Affected: yes. Observed: 25 variant alleles.
Comment: MYH14: BP4, BP7, BS1, BS2

ARUP Laboratories, Molecular Genetics and Genomics, ARUP Laboratories
Classification: Benign. Last evaluated: 2023-10-16. Review status: criteria provided, single submitter. Criteria: ARUP Molecular Germline Variant Investigation Process 2024. Collection method: clinical testing. Allele origin: germline.

Mayo Clinic Laboratories, Mayo Clinic
Classification: Benign. Last evaluated: 2022-12-05. Review status: criteria provided, single submitter. Criteria: ACMG Guidelines, 2015. Collection method: clinical testing. Allele origin: germline. Observed: 44 variant alleles.
Comment: BA1, BS2, BP4, BP7

Athena Diagnostics
Classification: Benign. Last evaluated: 2018-12-07. Review status: criteria provided, single submitter. Criteria: Athena Diagnostics Criteria. Collection method: clinical testing. Allele origin: germline.

GeneDx
Classification: Benign. Last evaluated: 2018-01-12. Review status: criteria provided, single submitter. Criteria: GeneDx Variant Classification (06012015). Collection method: clinical testing. Allele origin: germline. Affected: yes.
Comment: This variant is considered likely benign or benign based on one or more of the following criteria: it is a conservative change, it occurs at a poorly conserved position in the protein, it is predicted to be benign by multiple in silico algorithms, and/or has population frequency not consistent with disease.

Illumina Laboratory Services, Illumina
Classification: Benign for Autosomal dominant nonsyndromic hearing loss 4A. Last evaluated: 2018-01-12. Review status: criteria provided, single submitter. Criteria: ICSL Variant Classification Criteria 13 December 2019. Collection method: clinical testing. Allele origin: germline.
Comment: This variant was observed in the ICSL laboratory as part of a predisposition screen in an ostensibly healthy population. It had not been previously curated by ICSL or reported in the Human Gene Mutation Database (HGMD: prior to June 1st, 2018), and was therefore a candidate for classification through an automated scoring system. Utilizing variant allele frequency, disease prevalence and penetrance estimates, and inheritance mode, an automated score was calculated to assess if this variant is too frequent to cause the disease. Based on the score and internal cut-off values, a variant classified as benign is not then subjected to further curation. The score for this variant resulted in a classification of benign for this disease.

Eurofins Ntd Llc (ga)
Classification: Benign. Last evaluated: 2014-08-05. Review status: criteria provided, single submitter. Criteria: EGL Classification Definitions 2015. Collection method: clinical testing. Allele origin: germline. Observed: 1 variant allele, 1 heterozygote.

Laboratory for Molecular Medicine, Mass General Brigham Personalized Medicine
Classification: Benign. Last evaluated: 2012-04-30. Review status: criteria provided, single submitter. Criteria: LMM Criteria. Collection method: clinical testing. Allele origin: germline. Observed: 40 variant alleles.
Comment: Arg947Arg in Exon 24 of MYH14: This variant is not expected to have clinical sig nificance because it does not alter an amino acid residue, is not located within the splice consensus sequence, and has been identified in 1.3% (86/6654) of Eur opean American chromosomes from a broad population by the NHLBI Exome Sequencing Project (dbSNP rs138987081).

Breakthrough Genomics
Classification: Benign. Review status: criteria provided, single submitter. Criteria: ACMG Guidelines, 2015. Collection method: not provided. Allele origin: germline. Inheritance: Autosomal dominant inheritance. Affected: yes.

NM_001145809.2(MYH14):c.2841C>T (p.Arg947=)

Gene: MYH14 (myosin heavy chain 14; plus strand). Cytogenetic location: 19q13.33.
Variant type: single nucleotide variant.
Coding change: c.2841C>T on transcript NM_001145809.2 (MANE Select); coding-DNA position 2841, C replaced by T.
Protein change: p.Arg947=; no amino-acid change (arginine 947 retained).
Molecular consequence: synonymous variant.
Genome position (GRCh38, 1-based): chr19:50,268,175, C>T. VCF-style: chr19-50268175-C-T. GRCh37 (hg19) VCF-style: chr19-50771432-C-T.
Other names: p.Arg906=; c.2742C>T, p.Arg914= (NM_001077186.2); c.2718C>T, p.Arg906= (NM_024729.4).
Identifiers: ClinVar variation 44061 (VCV000044061.61), dbSNP rs138987081, ClinGen allele CA133483.